The following is an entry in ClinVar:

NM_000492.4(CFTR):c.2197G>C (p.Glu733Gln)

Gene: CFTR (CF transmembrane conductance regulator; plus strand). Cytogenetic location: 7q31.2.
Variant type: single nucleotide variant.
Coding change: c.2197G>C on transcript NM_000492.4 (MANE Select); coding-DNA position 2197, G replaced by C.
Protein change: p.Glu733Gln; replaces glutamic acid 733 with glutamine.
Molecular consequence: missense variant.
Genome position (GRCh38, 1-based): chr7:117,592,364, G>C. VCF-style: chr7-117592364-G-C. GRCh37 (hg19) VCF-style: chr7-117232418-G-C.
Other names: short protein forms E733Q.
Identifiers: ClinVar variation 4868818 (VCV004868818.1).
Genomic context (GRCh38, chr7:117,592,364, plus strand): 5'-ATTGTGCAAAAGACTCCCTTACAAATGAATGGCATCGAAGAGGATTCTGATGAGCCTTTA[G>C]AGAGAAGGCTGTCCTTAGTACCAGATTCTGAGCAGGGAGAGGCGATACTGCCTCGCATCA-3'
Protein context (NP_000483.3, residues 723-743): GIEEDSDEPL[Glu733Gln]RRLSLVPDSE

ClinVar aggregate classification (germline): Uncertain significance (1 of 4 stars; one submission).

Conditions:
Cystic fibrosis (CF). Also called: MUCOVISCIDOSIS. Identifiers: Orphanet 586, MedGen C0010674, MONDO:0009061, OMIM 219700. Disease mechanism: loss of function.

Submission:

Ambry Genetics
Classification: Uncertain significance for Cystic fibrosis. Last evaluated: 2026-03-21. Review status: criteria provided, single submitter. Criteria: Ambry Variant Classification Scheme 2023. Collection method: clinical testing. Allele origin: germline.
Comment: The p.E733Q variant (also known as c.2197G>C), located in coding exon 14 of the CFTR gene, results from a G to C substitution at nucleotide position 2197. The glutamic acid at codon 733 is replaced by glutamine, an amino acid with highly similar properties. This amino acid position is conserved. In addition, the in silico prediction for this alteration is inconclusive. Based on the available evidence, the clinical significance of this variant remains unclear.